The following is an entry in ClinVar:

ClinVar aggregate classification (germline): Uncertain significance (1 of 4 stars; one submission).

Allele frequency attached by ClinVar (database versions not stated): ExAC 0.00001; gnomAD exomes 0.00001; gnomAD 0.00004; TOPMed 0.00004.
gnomAD v4.1: 15 of 1,612,656 alleles (0.00093%); highest among the groups gnomAD compares: African/African-American, 0.015%; no homozygotes.

Submission:

Labcorp Genetics (formerly Invitae), Labcorp
Classification: Uncertain significance. Last evaluated: 2023-02-10. Review status: criteria provided, single submitter. Criteria: Invitae Variant Classification Sherloc (09022015). Collection method: clinical testing. Allele origin: germline.
Comment: Algorithms developed to predict the effect of sequence changes on RNA splicing suggest that this variant may disrupt the consensus splice site. This variant has not been reported in the literature in individuals affected with MMP13-related conditions. This variant is present in population databases (rs780592061, gnomAD 0.03%). This sequence change falls in intron 2 of the MMP13 gene. It does not directly change the encoded amino acid sequence of the MMP13 protein. In summary, the available evidence is currently insufficient to determine the role of this variant in disease. Therefore, it has been classified as a Variant of Uncertain Significance.

NM_002427.4(MMP13):c.363-14T>A

Gene: MMP13 (matrix metallopeptidase 13; minus strand). Cytogenetic location: 11q22.2.
Variant type: single nucleotide variant.
Coding change: c.363-14T>A on transcript NM_002427.4 (MANE Select); 14 bases into the intron before coding-DNA position 363, T replaced by A.
Molecular consequence: intron variant.
Genome position (GRCh38, 1-based): chr11:102,954,620, A>T on the plus strand (T>A on the coding strand, the complement: MMP13 is on the minus strand). VCF-style: chr11-102954620-A-T. GRCh37 (hg19) VCF-style: chr11-102825349-A-T.
Identifiers: ClinVar variation 2987624 (VCV002987624.3), dbSNP rs780592061, ClinGen allele CA6252003.
Genomic context (GRCh38, chr11:102,954,620, plus strand): 5'-CCTTTTCGACTTCAGAATGAGTCATATCAGGGGTGTAATTCACAATTCTATTTAACAGAG[A>T]AAGTTTCAATGAACTTTTTGGAAAGTGACAGCTATTTTAGAATACATTTTCTTGGTATAT-3'